The following is an entry in ClinVar:

NM_003924.4(PHOX2B):c.603T>A (p.Asn201Lys)

Gene: PHOX2B (paired like homeobox 2B; minus strand). Cytogenetic location: 4p13.
Variant type: single nucleotide variant.
Coding change: c.603T>A on transcript NM_003924.4 (MANE Select); coding-DNA position 603, T replaced by A.
Protein change: p.Asn201Lys; replaces asparagine 201 with lysine.
Molecular consequence: missense variant.
Genome position (GRCh38, 1-based): chr4:41,746,149, A>T on the plus strand (T>A on the coding strand, the complement: PHOX2B is on the minus strand). VCF-style: chr4-41746149-A-T. GRCh37 (hg19) VCF-style: chr4-41748166-A-T.
Other names: short protein forms N201K.
Identifiers: ClinVar variation 467732 (VCV000467732.10), dbSNP rs1553897857, ClinGen allele CA356737778.

ClinVar aggregate classification (germline): Uncertain significance (1 of 4 stars; one submission).

Conditions:
Haddad syndrome (OHD). Also called: Ondine-Hirschsprung disease. Identifiers: Orphanet 99803, MedGen C1859049, MONDO:0020493.

Allele frequency attached by ClinVar (database versions not stated): gnomAD exomes below 0.00001.
gnomAD v4.1: 1 of 1,611,022 alleles (0.000062%); highest among the groups gnomAD compares: African/African-American, 0.0013%; no homozygotes.

Submission:

Labcorp Genetics (formerly Invitae), Labcorp
Classification: Uncertain significance for Haddad syndrome. Last evaluated: 2017-01-12. Review status: criteria provided, single submitter. Criteria: Invitae Variant Classification Sherloc (09022015). Collection method: clinical testing. Allele origin: germline.
Comment: This sequence change replaces asparagine with lysine at codon 201 of the PHOX2B protein (p.Asn201Lys). The asparagine residue is highly conserved and there is a moderate physicochemical difference between asparagine and lysine. In summary, this variant is a novel missense change with uncertain impact on protein function. It has been classified as a Variant of Uncertain Significance. Algorithms developed to predict the effect of missense changes on protein structure and function do not agree on the potential impact of this missense change (SIFT: "Tolerated"; PolyPhen-2: "Unknown"; Align-GVGD: "Class C0"). This variant is not present in population databases (ExAC no frequency) and has not been reported in the literature in individuals with a PHOX2B-related disease.